The following is an entry in ClinVar:

NM_001386393.1(PANK2):c.651+3A>C

Gene: PANK2 (pantothenate kinase 2; plus strand). Cytogenetic location: 20p13.
Variant type: single nucleotide variant.
Coding change: c.651+3A>C on transcript NM_001386393.1 (MANE Select); 3 bases into the intron after coding-DNA position 651, A replaced by C.
Molecular consequence: intron variant. On other transcripts: synonymous variant (1).
Genome position (GRCh38, 1-based): chr20:3,908,281, A>C. VCF-style: chr20-3908281-A-C. GRCh37 (hg19) VCF-style: chr20-3888928-A-C.
Other names: c.984A>C, p.Val328= (NM_001324192.1); c.108+3A>C (NM_024960.6, NM_001324191.2, NM_153640.4); c.981+3A>C (NM_153638.4); c.-328+146A>C (NM_001324193.2).
Identifiers: ClinVar variation 1481788 (VCV001481788.6), dbSNP rs1131691472, ClinGen allele CA2573156938.
Genomic context (GRCh38, chr20:3,908,281, plus strand): 5'-CACTGTCTTTTGTGCCACTGGAGGTGGAGCGTACAAATTTGAGCAGGATTTTCTCACAGT[A>C]TGCATTTTTTAGCTTATATACAATTTATGGTAATTTGATTGTTAAAAATAATGCCAGTAG-3'

ClinVar aggregate classification (germline): Uncertain significance (1 of 4 stars; one submission).

Conditions:
Pigmentary pallidal degeneration (NBIA1). Also called: Pantothenate Kinase-Associated Neurodegeneration; Neuroaxonal dystrophy, late infantile; Hallervorden-Spatz disease; PKAN NEUROAXONAL DYSTROPHY, JUVENILE-ONSET; HARP SYNDROME; Neurodegeneration with brain iron accumulation 1. Identifiers: Orphanet 157850, MedGen C0018523, MONDO:0009319, OMIM 234200.

Submission:

Labcorp Genetics (formerly Invitae), Labcorp
Classification: Uncertain significance for Pigmentary pallidal degeneration. Last evaluated: 2024-10-29. Review status: criteria provided, single submitter. Criteria: Invitae Variant Classification Sherloc (09022015). Collection method: clinical testing. Allele origin: germline.
Comment: This sequence change falls in intron 2 of the PANK2 gene. It does not directly change the encoded amino acid sequence of the PANK2 protein. It affects a nucleotide within the consensus splice site. This variant is not present in population databases (gnomAD no frequency). This variant has not been reported in the literature in individuals affected with PANK2-related conditions. ClinVar contains an entry for this variant (Variation ID: 1481788). Variants that disrupt the consensus splice site are a relatively common cause of aberrant splicing (PMID: 17576681, 9536098). Algorithms developed to predict the effect of sequence changes on RNA splicing suggest that this variant may disrupt the consensus splice site. In summary, the available evidence is currently insufficient to determine the role of this variant in disease. Therefore, it has been classified as a Variant of Uncertain Significance.

Literature cited by the submitters: PubMed 17576681; PubMed 9536098.